The following is an entry in ClinVar:

ClinVar aggregate classification (germline): Benign/Likely benign. Review status: criteria provided, multiple submitters, no conflicts (2 of 4 stars). 5 submissions from 5 submitters: Benign (2); Likely benign (2). 1 of the submissions does not count toward it. Last evaluated 2026-01-25.

Conditions:
Inborn genetic diseases. Identifiers: MedGen C0950123, MeSH D030342.
Intellectual developmental disorder, X-linked 97. Also called: Intellectual disability, X-linked 97. Identifiers: Orphanet 777, MedGen C2749020, MONDO:0010430, OMIM 300803.
ZNF711-related disorder. Also called: ZNF711-related condition.

Allele frequency attached by ClinVar (database versions not stated): ExAC 0.00094; gnomAD 0.00097 and 0.00096; gnomAD exomes 0.00118 and 0.00131; ESP Exome Variant Server 0.00095; TOPMed 0.00099.
gnomAD v4.1: 1,568 of 1,209,874 alleles (0.13%); highest among the groups gnomAD compares: Middle Eastern, 0.64%; 5 homozygotes.

Submissions (5):

Labcorp Genetics (formerly Invitae), Labcorp
Classification: Benign. Last evaluated: 2026-01-25. Review status: criteria provided, single submitter. Criteria: Invitae Variant Classification Sherloc (09022015). Collection method: clinical testing. Allele origin: germline.

Illumina Laboratory Services, Illumina
Classification: Benign for Intellectual developmental disorder, X-linked 97. Last evaluated: 2018-01-13. Review status: criteria provided, single submitter. Criteria: ICSL Variant Classification Criteria 13 December 2019. Collection method: clinical testing. Allele origin: germline.
Comment: This variant was observed in the ICSL laboratory as part of a predisposition screen in an ostensibly healthy population. It had not been previously curated by ICSL or reported in the Human Gene Mutation Database (HGMD: prior to June 1st, 2018), and was therefore a candidate for classification through an automated scoring system. Utilizing variant allele frequency, disease prevalence and penetrance estimates, and inheritance mode, an automated score was calculated to assess if this variant is too frequent to cause the disease. Based on the score and internal cut-off values, a variant classified as benign is not then subjected to further curation. The score for this variant resulted in a classification of benign for this disease.

Ambry Genetics
Classification: Likely benign for Inborn genetic diseases. Last evaluated: 2014-10-06. Review status: criteria provided, single submitter. Criteria: Ambry Variant Classification Scheme 2023. Collection method: clinical testing. Allele origin: germline.

Breakthrough Genomics
Classification: Likely benign. Review status: criteria provided, single submitter. Criteria: ACMG Guidelines, 2015. Collection method: not provided. Allele origin: germline. Inheritance: X-linked inheritance. Affected: yes.

PreventionGenetics, part of Exact Sciences
Classification: Likely benign for ZNF711-related condition. Last evaluated: 2019-03-04. Review status: no assertion criteria provided. Collection method: clinical testing. Allele origin: germline. Not counted in ClinVar's aggregate classification.
Comment: This variant is classified as likely benign based on ACMG/AMP sequence variant interpretation guidelines (Richards et al. 2015 PMID: 25741868, with internal and published modifications).

NM_001330574.2(ZNF711):c.2106A>G (p.Thr702=)

Gene: ZNF711 (ZFX family zinc finger ZNF711; plus strand). Cytogenetic location: Xq21.1.
Variant type: single nucleotide variant.
Coding change: c.2106A>G on transcript NM_001330574.2 (MANE Select); coding-DNA position 2106, A replaced by G.
Protein change: p.Thr702=; no amino-acid change (threonine 702 retained).
Molecular consequence: synonymous variant.
Genome position (GRCh38, 1-based): chrX:85,271,510, A>G. VCF-style: chrX-85271510-A-G. GRCh37 (hg19) VCF-style: chrX-84526516-A-G.
Other names: c.1968A>G, p.Thr656= (NM_021998.5).
Identifiers: ClinVar variation 368746 (VCV000368746.17), dbSNP rs138675194, ClinGen allele CA10464828.